The following is an entry in ClinVar:

ClinVar aggregate classification (germline): Likely benign. Review status: criteria provided, multiple submitters, no conflicts (2 of 4 stars). 3 submissions from 3 submitters: Likely benign (2). 1 of the submissions does not count toward it. Last evaluated 2025-02-18.

Conditions:
TRRAP-related disorder. Also called: TRRAP-related condition.

Allele frequency attached by ClinVar (database versions not stated): gnomAD 0.00011; ESP Exome Variant Server 0.00015; TOPMed 0.00015; gnomAD exomes 0.00016; ExAC 0.00021.
gnomAD v4.1: 259 of 1,614,116 alleles (0.016%); highest among the groups gnomAD compares: Non-Finnish European, 0.02%; no homozygotes.

Submissions (3):

Labcorp Genetics (formerly Invitae), Labcorp
Classification: Likely benign. Last evaluated: 2025-02-18. Review status: criteria provided, single submitter. Criteria: Invitae Variant Classification Sherloc (09022015). Collection method: clinical testing. Allele origin: germline.

CeGaT Center for Human Genetics Tuebingen
Classification: Likely benign. Last evaluated: 2023-06-01. Review status: criteria provided, single submitter. Criteria: CeGaT Center For Human Genetics Tuebingen Variant Classification Criteria Version 2. Collection method: clinical testing. Allele origin: germline. Affected: yes. Observed: 1 variant allele.
Comment: TRRAP: BP4, BP7

PreventionGenetics, part of Exact Sciences
Classification: Likely benign for TRRAP-related condition. Last evaluated: 2019-12-16. Review status: no assertion criteria provided. Collection method: clinical testing. Allele origin: germline. Not counted in ClinVar's aggregate classification.
Comment: This variant is classified as likely benign based on ACMG/AMP sequence variant interpretation guidelines (Richards et al. 2015 PMID: 25741868, with internal and published modifications).

NM_001375524.1(TRRAP):c.11430C>T (p.Ala3810=)

Gene: TRRAP (transformation/transcription domain associated protein; plus strand). Cytogenetic location: 7q22.1.
Variant type: single nucleotide variant.
Coding change: c.11430C>T on transcript NM_001375524.1 (MANE Select); coding-DNA position 11430, C replaced by T.
Protein change: p.Ala3810=; no amino-acid change (alanine 3810 retained).
Molecular consequence: synonymous variant.
Genome position (GRCh38, 1-based): chr7:99,012,163, C>T. VCF-style: chr7-99012163-C-T. GRCh37 (hg19) VCF-style: chr7-98609786-C-T.
Other names: c.11388C>T, p.Ala3796= (NM_001244580.2); c.11301C>T, p.Ala3767= (NM_003496.4); c.11301C>T (NM_003496.3).
Identifiers: ClinVar variation 2197652 (VCV002197652.32), dbSNP rs149548740, ClinGen allele CA4362178.